The following is an entry in ClinVar:

NM_014225.6(PPP2R1A):c.1357G>C (p.Asp453His)

Gene: PPP2R1A (protein phosphatase 2 scaffold subunit Aalpha; plus strand). Cytogenetic location: 19q13.41.
Variant type: single nucleotide variant.
Coding change: c.1357G>C on transcript NM_014225.6 (MANE Select); coding-DNA position 1357, G replaced by C.
Protein change: p.Asp453His; replaces aspartic acid 453 with histidine.
Molecular consequence: missense variant. On other transcripts: non-coding transcript variant (1).
Genome position (GRCh38, 1-based): chr19:52,220,243, G>C. VCF-style: chr19-52220243-G-C. GRCh37 (hg19) VCF-style: chr19-52723496-G-C.
Other names: c.820G>C, p.Asp274His (NM_001363656.2); short protein forms D274H, D453H.
Identifiers: ClinVar variation 3907988 (VCV003907988.1).

ClinVar aggregate classification (germline): Uncertain significance (1 of 4 stars; one submission).

Submission:

GeneDx
Classification: Uncertain significance. Last evaluated: 2024-12-27. Review status: criteria provided, single submitter. Criteria: GeneDx Variant Classification Process June 2021. Collection method: clinical testing. Allele origin: germline. Affected: yes.
Comment: Not observed at significant frequency in large population cohorts (gnomAD); In silico analysis supports that this missense variant has a deleterious effect on protein structure/function; Has not been previously published as pathogenic or benign to our knowledge